The following is an entry in ClinVar:

NM_013275.6(ANKRD11):c.5994C>A (p.Asp1998Glu)

Gene: ANKRD11 (ankyrin repeat domain 11; minus strand). Cytogenetic location: 16q24.3.
Variant type: single nucleotide variant.
Coding change: c.5994C>A on transcript NM_013275.6 (MANE Select); coding-DNA position 5994, C replaced by A.
Protein change: p.Asp1998Glu; replaces aspartic acid 1998 with glutamic acid.
Molecular consequence: missense variant.
Genome position (GRCh38, 1-based): chr16:89,280,548, G>T on the plus strand (C>A on the coding strand, the complement: ANKRD11 is on the minus strand). VCF-style: chr16-89280548-G-T. GRCh37 (hg19) VCF-style: chr16-89346956-G-T.
Other names: c.5994C>A, p.Asp1998Glu (NM_001256182.2, NM_001256183.2); short protein forms D1998E.
Identifiers: ClinVar variation 5009426 (VCV005009426.1).

ClinVar aggregate classification (germline): Uncertain significance (1 of 4 stars; one submission).

Submission:

GeneDx
Classification: Uncertain significance. Last evaluated: 2026-03-19. Review status: criteria provided, single submitter. Criteria: GeneDx Variant Classification Process June 2021. Collection method: clinical testing. Allele origin: germline.
Comment: Not observed at significant frequency in large population cohorts (gnomAD); In silico analysis suggests that this missense variant does not alter protein structure/function; Has not been previously published as pathogenic or benign to our knowledge